The following is an entry in ClinVar:

ClinVar aggregate classification (germline): Uncertain significance (1 of 4 stars; one submission).

Conditions:
Aortic aneurysm, familial thoracic 7 (AAT7). Also called: AORTIC DISSECTION, FAMILIAL, WITH OR WITHOUT AORTIC ANEURYSM. Identifiers: MedGen C3151077, MONDO:0013418, OMIM 613780.

gnomAD v4.1: 9 of 1,614,018 alleles (0.00056%); highest among the groups gnomAD compares: South Asian, 0.0011%; no homozygotes.

Submission:

Labcorp Genetics (formerly Invitae), Labcorp
Classification: Uncertain significance for Aortic aneurysm, familial thoracic 7. Last evaluated: 2026-02-04. Review status: criteria provided, single submitter. Criteria: Invitae Variant Classification Sherloc (09022015). Collection method: clinical testing. Allele origin: germline.
Comment: This sequence change replaces isoleucine, which is neutral and non-polar, with threonine, which is neutral and polar, at codon 1832 of the MYLK protein (p.Ile1832Thr). This variant is not present in population databases (gnomAD no frequency). This variant has not been reported in the literature in individuals affected with MYLK-related conditions. Invitae Evidence Modeling of protein sequence and biophysical properties (such as structural, functional, and spatial information, amino acid conservation, physicochemical variation, residue mobility, and thermodynamic stability) has been performed for this missense variant. However, the output from this modeling did not meet the statistical confidence thresholds required to predict the impact of this variant on MYLK protein function. In summary, the available evidence is currently insufficient to determine the role of this variant in disease. Therefore, it has been classified as a Variant of Uncertain Significance.

NM_053025.4(MYLK):c.5495T>C (p.Ile1832Thr)

Genes: MYLK (myosin light chain kinase; minus strand), MYLK-AS1 (MYLK antisense RNA 1; plus strand). Cytogenetic location: 3q21.1.
Variant type: single nucleotide variant.
Coding change: c.5495T>C on transcript NM_053025.4 (MANE Select); coding-DNA position 5495, T replaced by C.
Protein change: p.Ile1832Thr; replaces isoleucine 1832 with threonine.
Molecular consequence: missense variant.
Genome position (GRCh38, 1-based): chr3:123,618,644, A>G on the plus strand (T>C on the coding strand, the complement: MYLK is on the minus strand). VCF-style: chr3-123618644-A-G. GRCh37 (hg19) VCF-style: chr3-123337491-A-G.
Other names: c.4967T>C, p.Ile1656Thr (NM_001321309.2); c.212T>C, p.Ile71Thr (NM_001438035.1, NM_053031.4); c.5288T>C, p.Ile1763Thr (NM_053026.4); c.5342T>C, p.Ile1781Thr (NM_053027.4); c.5135T>C, p.Ile1712Thr (NM_053028.4); c.215T>C, p.Ile72Thr (NM_053032.4); short protein forms I1656T, I1712T, I1763T, I1781T, I1832T, I71T, I72T.
Identifiers: ClinVar variation 4811836 (VCV004811836.1).